The following is an entry in ClinVar:

NM_020928.2(ZSWIM6):c.849C>G (p.Ile283Met)

Gene: ZSWIM6 (zinc finger SWIM-type containing 6; plus strand). Cytogenetic location: 5q12.1.
Variant type: single nucleotide variant.
Coding change: c.849C>G on transcript NM_020928.2 (MANE Select); coding-DNA position 849, C replaced by G.
Protein change: p.Ile283Met; replaces isoleucine 283 with methionine.
Molecular consequence: missense variant.
Genome position (GRCh38, 1-based): chr5:61,472,853, C>G. VCF-style: chr5-61472853-C-G. GRCh37 (hg19) VCF-style: chr5-60768680-C-G.
Other names: short protein forms I283M.
Identifiers: ClinVar variation 1367531 (VCV001367531.8), dbSNP rs1490478004, ClinGen allele CA359941619.

ClinVar aggregate classification (germline): Uncertain significance (1 of 4 stars; one submission).

Allele frequency attached by ClinVar (database versions not stated): gnomAD exomes 0.00001 and 0.00002.
gnomAD v4.1: 3 of 1,551,702 alleles (0.00019%); highest among the groups gnomAD compares: Admixed American, 0.0059%; no homozygotes.

Submission:

Labcorp Genetics (formerly Invitae), Labcorp
Classification: Uncertain significance. Last evaluated: 2024-04-29. Review status: criteria provided, single submitter. Criteria: Invitae Variant Classification Sherloc (09022015). Collection method: clinical testing. Allele origin: germline.
Comment: This sequence change replaces isoleucine, which is neutral and non-polar, with methionine, which is neutral and non-polar, at codon 283 of the ZSWIM6 protein (p.Ile283Met). This variant is present in population databases (no rsID available, gnomAD 0.01%). This variant has not been reported in the literature in individuals affected with ZSWIM6-related conditions. ClinVar contains an entry for this variant (Variation ID: 1367531). Advanced modeling of protein sequence and biophysical properties (such as structural, functional, and spatial information, amino acid conservation, physicochemical variation, residue mobility, and thermodynamic stability) performed at Invitae indicates that this missense variant is not expected to disrupt ZSWIM6 protein function with a negative predictive value of 80%. In summary, the available evidence is currently insufficient to determine the role of this variant in disease. Therefore, it has been classified as a Variant of Uncertain Significance.